The following is an entry in ClinVar:

ClinVar aggregate classification (germline): Likely pathogenic (1 of 4 stars; one submission).

Conditions:
Succinate-semialdehyde dehydrogenase deficiency (SSADHD). Also called: Succinic Semialdehyde Dehydrogenase Deficiency; SSADH DEFICIENCY; 4-HYDROXYBUTYRIC ACIDURIA; GABA METABOLIC DEFECT. Identifiers: Orphanet 22, MedGen C0268631, MONDO:0010083, OMIM 271980.

Submission:

Elsea Laboratory, Baylor College of Medicine
Classification: Likely pathogenic for Succinate-semialdehyde dehydrogenase deficiency. Last evaluated: 2021-03-08. Review status: criteria provided, single submitter. Criteria: Martin et al. (J Child Neurol. 2021). Collection method: curation. Allele origin: germline. Affected: yes.
Comment: enzyme activity ~2%;catalytic domain

Literature cited by the submitters: PubMed 14635103; PubMed 33203024.

NM_001080.3(ALDH5A1):c.1145C>T (p.Pro382Leu)

Gene: ALDH5A1 (aldehyde dehydrogenase 5 family member A1; plus strand). Cytogenetic location: 6p22.3.
Variant type: single nucleotide variant.
Coding change: c.1145C>T on transcript NM_001080.3 (MANE Select); coding-DNA position 1145, C replaced by T.
Protein change: p.Pro382Leu; replaces proline 382 with leucine.
Molecular consequence: missense variant.
Genome position (GRCh38, 1-based): chr6:24,522,897, C>T. VCF-style: chr6-24522897-C-T. GRCh37 (hg19) VCF-style: chr6-24523125-C-T.
Other names: c.1001C>T, p.Pro334Leu (NM_001368954.1); c.1184C>T, p.Pro395Leu (NM_170740.1); short protein forms P395L, P334L, P382L.
Identifiers: ClinVar variation 1878477 (VCV001878477.4), dbSNP rs2532868391, ClinGen allele CA362976570.